The following is an entry in ClinVar:

ClinVar aggregate classification (germline): Likely pathogenic (1 of 4 stars; one submission).

Conditions:
Alport syndrome. Also called: Hemorrhagic familial nephritis; Hemorrhagic hereditary nephritis; Congenital hereditary hematuria. Identifiers: Orphanet 63, MedGen C1567741, MONDO:0018965.

gnomAD v4.1: 1 of 1,614,010 alleles (0.000062%); highest among the groups gnomAD compares: Non-Finnish European, 0.000085%; no homozygotes.

Submission:

Natera, Inc.
Classification: Likely pathogenic for Alport syndrome. Last evaluated: 2026-01-14. Review status: criteria provided, single submitter. Criteria: Natera Variant Classification Schema (03/2026). Collection method: clinical testing. Allele origin: germline.
Comment: The c.3848G>A variant in COL4A3 is a missense variant predicted to cause substitution of glycine to glutamic acid at amino acid 1283. This variant is rare in the general population with a frequency below the threshold expected for the associated phenotype(s). This variant is located in a functionally critical region of the protein. Computational prediction algorithms indicate this variant is likely to affect gene or protein function. Given the available evidence, this variant is classified as Likely Pathogenic.

NM_000091.5(COL4A3):c.3848G>A (p.Gly1283Glu)

Genes: MFF-DT (MFF divergent transcript; minus strand), COL4A3 (collagen type IV alpha 3 chain; plus strand). Cytogenetic location: 2q36.3.
Variant type: single nucleotide variant.
Coding change: c.3848G>A on transcript NM_000091.5 (MANE Select); coding-DNA position 3848, G replaced by A.
Protein change: p.Gly1283Glu; replaces glycine 1283 with glutamic acid.
Molecular consequence: missense variant.
Genome position (GRCh38, 1-based): chr2:227,298,778, G>A. VCF-style: chr2-227298778-G-A. GRCh37 (hg19) VCF-style: chr2-228163494-G-A.
Other names: short protein forms G1283E.
Identifiers: ClinVar variation 4817258 (VCV004817258.1).